The following is an entry in ClinVar:

ClinVar aggregate classification (germline): Uncertain significance. Review status: criteria provided, multiple submitters, no conflicts (2 of 4 stars). 2 submissions from 2 submitters: Uncertain significance (2). Last evaluated 2025-11-23.

Conditions:
Hypertrophic cardiomyopathy 14. Identifiers: MedGen C2750467, MONDO:0013197, OMIM 613251.
MYH6-related disorder. Also called: MYH6-related condition; MYH6-Related Disorders.

Allele frequency attached by ClinVar (database versions not stated): gnomAD exomes below 0.00001.
gnomAD v4.1: 2 of 1,614,262 alleles (0.00012%); highest among the groups gnomAD compares: Admixed American, 0.0033%; no homozygotes.

Submissions (2):

Labcorp Genetics (formerly Invitae), Labcorp
Classification: Uncertain significance for Hypertrophic cardiomyopathy 14. Last evaluated: 2025-11-23. Review status: criteria provided, single submitter. Criteria: Invitae Variant Classification Sherloc (09022015). Collection method: clinical testing. Allele origin: germline.
Comment: This sequence change replaces alanine, which is neutral and non-polar, with threonine, which is neutral and polar, at codon 1764 of the MYH6 protein (p.Ala1764Thr). This variant is not present in population databases (gnomAD no frequency). This variant has not been reported in the literature in individuals affected with MYH6-related conditions. ClinVar contains an entry for this variant (Variation ID: 2076136). An algorithm developed to predict the effect of missense changes on protein structure and function (PolyPhen-2) suggests that this variant is likely to be disruptive. In summary, the available evidence is currently insufficient to determine the role of this variant in disease. Therefore, it has been classified as a Variant of Uncertain Significance.

PreventionGenetics, part of Exact Sciences
Classification: Uncertain significance for MYH6-related condition. Last evaluated: 2023-08-08. Review status: criteria provided, single submitter. Criteria: ACMG Guidelines, 2015. Collection method: clinical testing. Allele origin: germline.
Comment: The MYH6 c.5290G>A variant is predicted to result in the amino acid substitution p.Ala1764Thr. To our knowledge, this variant has not been reported in the literature or in a large population database, indicating this variant is rare. At this time, the clinical significance of this variant is uncertain due to the absence of conclusive functional and genetic evidence.

NM_002471.4(MYH6):c.5290G>A (p.Ala1764Thr)

Gene: MYH6 (myosin heavy chain 6; minus strand). Cytogenetic location: 14q11.2.
Variant type: single nucleotide variant.
Coding change: c.5290G>A on transcript NM_002471.4 (MANE Select); coding-DNA position 5290, G replaced by A.
Protein change: p.Ala1764Thr; replaces alanine 1764 with threonine.
Molecular consequence: missense variant.
Genome position (GRCh38, 1-based): chr14:23,384,717, C>T on the plus strand (G>A on the coding strand, the complement: MYH6 is on the minus strand). VCF-style: chr14-23384717-C-T. GRCh37 (hg19) VCF-style: chr14-23853926-C-T.
Other names: short protein forms A1764T.
Identifiers: ClinVar variation 2076136 (VCV002076136.5), dbSNP rs2502137380, ClinGen allele CA388985712.